The following is an entry in ClinVar:

ClinVar aggregate classification (germline): Likely benign (1 of 4 stars; one submission).

Conditions:
Mucopolysaccharidosis, MPS-IV-A (MPS4A). Also called: Mucopolysaccharidosis type IV A; Mucopolysaccharidosis Type IVA; Morquio syndrome A, mild; MORQUIO SYNDROME A; MPS IVA; mucopolysaccharidosis type 4A. Identifiers: Orphanet 309297, Orphanet 582, MedGen C0086651, MONDO:0009659, OMIM 253000.

Allele frequency attached by ClinVar (database versions not stated): 1000 Genomes Project 30x 0.00297; gnomAD 0.00422 and 0.00455; TOPMed 0.00475; gnomAD exomes 0.00057; 1000 Genomes Project 0.00260.
gnomAD v4.1: 646 of 174,342 alleles (0.37%); highest among the groups gnomAD compares: African/African-American, 1.5%; 3 homozygotes.

Submission:

Illumina Laboratory Services, Illumina
Classification: Likely benign for Mucopolysaccharidosis, MPS-IV-A. Last evaluated: 2018-01-13. Review status: criteria provided, single submitter. Criteria: ICSL Variant Classification Criteria 13 December 2019. Collection method: clinical testing. Allele origin: germline.
Comment: This variant was observed in the ICSL laboratory as part of a predisposition screen in an ostensibly healthy population. It had not been previously curated by ICSL or reported in the Human Gene Mutation Database (HGMD: prior to June 1st, 2018), and was therefore a candidate for classification through an automated scoring system. Utilizing variant allele frequency, disease prevalence and penetrance estimates, and inheritance mode, an automated score was calculated to assess if this variant is too frequent to cause the disease. Based on the score and internal cut-off values, a variant classified as likely benign is not then subjected to further curation. The score for this variant resulted in a classification of likely benign for this disease.

NM_000512.5(GALNS):c.*546C>T

Gene: GALNS (galactosamine (N-acetyl)-6-sulfatase; minus strand). Cytogenetic location: 16q24.3.
Variant type: single nucleotide variant.
Coding change: c.*546C>T on transcript NM_000512.5 (MANE Select); 546 bases downstream of the stop codon, C replaced by T.
Molecular consequence: 3 prime UTR variant.
Genome position (GRCh38, 1-based): chr16:88,813,893, G>A on the plus strand (C>T on the coding strand, the complement: GALNS is on the minus strand). VCF-style: chr16-88813893-G-A. GRCh37 (hg19) VCF-style: chr16-88880301-G-A.
Other names: c.*546C>T (NM_001323543.2, NM_001323544.2).
Identifiers: ClinVar variation 321173 (VCV000321173.5), dbSNP rs114447455, ClinGen allele CA10644572.